The following is an entry in ClinVar:

ClinVar aggregate classification (germline): Benign. Review status: criteria provided, multiple submitters, no conflicts (2 of 4 stars). 4 submissions from 4 submitters: Benign (4). Last evaluated 2026-05-08.

Conditions:
XPC-related disorder. Also called: XPC-related condition.
Xeroderma pigmentosum, group C (XPC). Also called: Xeroderma pigmentosum, complementation group C; XPC-Related Xeroderma Pigmentosum; XERODERMA PIGMENTOSUM III; XP, GROUP C. Identifiers: Orphanet 910, MedGen C2752147, MONDO:0010211, OMIM 278720.

Allele frequency attached by ClinVar (database versions not stated): gnomAD exomes 0.00043 and 0.00119; ExAC 0.00137; 1000 Genomes Project 0.00379; ESP Exome Variant Server 0.00427; gnomAD 0.00440 and 0.00479; 1000 Genomes Project 30x 0.00453; TOPMed 0.00515.
gnomAD v4.1: 1,316 of 1,613,856 alleles (0.082%); highest among the groups gnomAD compares: African/African-American, 1.5%; 13 homozygotes.

Submissions (4):

PreventionGenetics, part of Exact Sciences
Classification: Benign for XPC-related condition. Last evaluated: 2026-05-08. Review status: criteria provided, single submitter. Criteria: ACMG Guidelines, 2015. Collection method: clinical testing. Allele origin: germline.
Comment: This variant is classified as benign based on ACMG/AMP sequence variant interpretation guidelines (Richards et al. 2015 PMID: 25741868, with internal and published modifications).

Labcorp Genetics (formerly Invitae), Labcorp
Classification: Benign. Last evaluated: 2026-01-28. Review status: criteria provided, single submitter. Criteria: Invitae Variant Classification Sherloc (09022015). Collection method: clinical testing. Allele origin: germline.

Genome-Nilou Lab
Classification: Benign for Xeroderma pigmentosum, group C. Last evaluated: 2021-12-05. Review status: criteria provided, single submitter. Criteria: ACMG Guidelines, 2015. Collection method: clinical testing. Allele origin: germline. Affected: no.

Illumina Laboratory Services, Illumina
Classification: Benign for Xeroderma pigmentosum, group C. Last evaluated: 2018-01-13. Review status: criteria provided, single submitter. Criteria: ICSL Variant Classification Criteria 13 December 2019. Collection method: clinical testing. Allele origin: germline.
Comment: This variant was observed in the ICSL laboratory as part of a predisposition screen in an ostensibly healthy population. It had not been previously curated by ICSL or reported in the Human Gene Mutation Database (HGMD: prior to June 1st, 2018), and was therefore a candidate for classification through an automated scoring system. Utilizing variant allele frequency, disease prevalence and penetrance estimates, and inheritance mode, an automated score was calculated to assess if this variant is too frequent to cause the disease. Based on the score and internal cut-off values, a variant classified as benign is not then subjected to further curation. The score for this variant resulted in a classification of benign for this disease.

NM_004628.5(XPC):c.1734C>A (p.Val578=)

Gene: XPC (XPC complex subunit, DNA damage recognition and repair factor; minus strand). Cytogenetic location: 3p25.1.
Variant type: single nucleotide variant.
Coding change: c.1734C>A on transcript NM_004628.5 (MANE Select); coding-DNA position 1734, C replaced by A.
Protein change: p.Val578=; no amino-acid change (valine 578 retained).
Molecular consequence: synonymous variant. On other transcripts: non-coding transcript variant (2), intron variant (1).
Genome position (GRCh38, 1-based): chr3:14,158,149, G>T on the plus strand (C>A on the coding strand, the complement: XPC is on the minus strand). VCF-style: chr3-14158149-G-T. GRCh37 (hg19) VCF-style: chr3-14199649-G-T.
Other names: c.1155C>A, p.Val385= (NM_001354726.2); c.1734C>A, p.Val578= (NM_001354727.2); c.1716C>A, p.Val572= (NM_001354729.2); c.1626+108C>A (NM_001354730.2).
Identifiers: ClinVar variation 720863 (VCV000720863.16), dbSNP rs3731131, ClinGen allele CA2267376.
Genomic context (GRCh38, chr3:14,158,149, plus strand): 5'-AACCCGGCACTTGCGGGTCACTGTCATCCAGACTGGGTCGTACCTCTGTGTGACATCTCG[G>T]ACCCAGCCGTCACTGTCAATGCCCACCACATAGGTCATGGGCTTGGTGGCGTACTTGTAA-3'
Protein context (NP_004619.3, residues 568-588): YVVGIDSDGW[Val578=]RDVTQRYDPV